The following is an entry in ClinVar:

ClinVar aggregate classification (germline): Likely benign. Review status: criteria provided, multiple submitters, no conflicts (2 of 4 stars). 2 submissions from 2 submitters: Likely benign (2). Last evaluated 2025-02-25.

Conditions:
RAI1-related disorder. Also called: RAI1-related condition.

Allele frequency attached by ClinVar (database versions not stated): gnomAD exomes below 0.00001; TOPMed below 0.00001.
gnomAD v4.1: 3 of 1,613,966 alleles (0.00019%); highest among the groups gnomAD compares: Non-Finnish European, 0.00025%; no homozygotes.

Submissions (2):

PreventionGenetics, part of Exact Sciences
Classification: Likely benign for RAI1-related condition. Last evaluated: 2025-02-25. Review status: criteria provided, single submitter. Criteria: ACMG Guidelines, 2015. Collection method: clinical testing. Allele origin: germline.
Comment: This variant is classified as likely benign based on ACMG/AMP sequence variant interpretation guidelines (Richards et al. 2015 PMID: 25741868, with internal and published modifications).

Labcorp Genetics (formerly Invitae), Labcorp
Classification: Likely benign. Last evaluated: 2022-11-01. Review status: criteria provided, single submitter. Criteria: Invitae Variant Classification Sherloc (09022015). Collection method: clinical testing. Allele origin: germline.

NM_030665.4(RAI1):c.1041C>G (p.Ala347=)

Gene: RAI1 (retinoic acid induced 1; plus strand). Cytogenetic location: 17p11.2.
Variant type: single nucleotide variant.
Coding change: c.1041C>G on transcript NM_030665.4 (MANE Select); coding-DNA position 1041, C replaced by G.
Protein change: p.Ala347=; no amino-acid change (alanine 347 retained).
Molecular consequence: synonymous variant.
Genome position (GRCh38, 1-based): chr17:17,793,989, C>G. VCF-style: chr17-17793989-C-G. GRCh37 (hg19) VCF-style: chr17-17697303-C-G.
Other names: c.1041C>G (NM_030665.3).
Identifiers: ClinVar variation 2018946 (VCV002018946.5), dbSNP rs1176021948, ClinGen allele CA498422903.